The following is an entry in ClinVar:

NM_015896.4(ZMYND10):c.1A>G (p.Met1Val)

Gene: ZMYND10 (zinc finger MYND-type containing 10; minus strand). Cytogenetic location: 3p21.31.
Variant type: single nucleotide variant.
Coding change: c.1A>G on transcript NM_015896.4 (MANE Select); coding-DNA position 1, A replaced by G.
Protein change: p.Met1Val; changes the start codon (methionine 1).
Molecular consequence: missense variant, initiator codon variant.
Genome position (GRCh38, 1-based): chr3:50,345,579, T>C on the plus strand (A>G on the coding strand, the complement: ZMYND10 is on the minus strand). VCF-style: chr3-50345579-T-C. GRCh37 (hg19) VCF-style: chr3-50383010-T-C.
Other names: c.1A>G, p.Met1Val (NM_001308379.2); short protein forms M1V.
Identifiers: ClinVar variation 2040816 (VCV002040816.5), dbSNP rs1703520578, ClinGen allele CA352946249.

ClinVar aggregate classification (germline): Pathogenic (1 of 4 stars; one submission).

Conditions:
Primary ciliary dyskinesia. Also called: Ciliary dyskinesia. Identifiers: Orphanet 244, MedGen C0008780, MONDO:0016575, HP:0012265.

Allele frequency attached by ClinVar (database versions not stated): gnomAD exomes below 0.00001.

Submission:

Labcorp Genetics (formerly Invitae), Labcorp
Classification: Pathogenic for Primary ciliary dyskinesia. Last evaluated: 2025-05-12. Review status: criteria provided, single submitter. Criteria: Invitae Variant Classification Sherloc (09022015). Collection method: clinical testing. Allele origin: germline.
Comment: This sequence change affects the initiator codon of the ZMYND10 mRNA. This change may impact translation initiation or efficiency. The next in-frame methionine is located at codon 27. This variant is not present in population databases (gnomAD no frequency). This variant has not been reported in the literature in individuals affected with ZMYND10-related conditions. ClinVar contains an entry for this variant (Variation ID: 2040816). This variant disrupts a region of the ZMYND10 protein in which other variant(s) (p.Val16Gly) have been determined to be pathogenic (PMID: 23891469, 23891471). This suggests that this is a clinically significant region of the protein, and that variants that disrupt it are likely to be disease-causing. For these reasons, this variant has been classified as Pathogenic.

Literature cited by the submitters: PubMed 23891469; PubMed 23891471.